The following is an entry in ClinVar:

NM_001276345.2(TNNT2):c.233+5G>T

Gene: TNNT2 (troponin T2, cardiac type; minus strand). Cytogenetic location: 1q32.1.
Variant type: single nucleotide variant.
Coding change: c.233+5G>T on transcript NM_001276345.2 (MANE Select); 5 bases into the intron after coding-DNA position 233, G replaced by T.
Molecular consequence: intron variant.
Genome position (GRCh38, 1-based): chr1:201,366,833, C>A on the plus strand (G>T on the coding strand, the complement: TNNT2 is on the minus strand). VCF-style: chr1-201366833-C-A. GRCh37 (hg19) VCF-style: chr1-201335961-C-A.
Other names: c.203+5G>T (NM_001406727.1, NM_001406724.1, NM_001001431.3 and 3 more transcripts); c.188+5G>T (NM_001001432.3, NM_001406728.1); c.200+5G>T (NM_001406725.1); c.230+5G>T (NM_001276346.2); c.233+5G>T (NM_000364.4, NM_001406723.1).
Identifiers: ClinVar variation 4758124 (VCV004758124.1).
Genomic context (GRCh38, chr1:201,366,833, plus strand): 5'-TTCCATCATCATCCTCTCTCCCTGAGCCTCTGCTCCCGGCTCTACCCAGGTGCCTCCCCA[C>A]TCACCTGGGCTTTGGTTTGGACTCCTCCATTGGGCCATCTGGAGGAGATAGAAGCACACA-3'

ClinVar aggregate classification (germline): Uncertain significance (1 of 4 stars; one submission).

Conditions:
Cardiomyopathy (CMYO). Also called: Cardiomyopathies. Identifiers: Orphanet 167848, MedGen C0878544, MONDO:0004994, HP:0001638. Inheritance: Various modes of inheritance.

Submission:

Color Diagnostics, LLC DBA Color Health
Classification: Uncertain significance for Cardiomyopathy. Last evaluated: 2025-08-04. Review status: criteria provided, single submitter. Criteria: ACMG Guidelines, 2015. Collection method: clinical testing. Allele origin: germline.
Comment: This variant causes a G to T nucleotide substitution at the +5 position of intron 7 of the TNNT2 gene. To our knowledge, functional studies have not been reported for this variant. This variant has not been reported in individuals affected with TNNT2-related disorders in the literature. This variant has not been identified in the general population by the Genome Aggregation Database (gnomAD). The available evidence is insufficient to determine the role of this variant in disease conclusively. Therefore, this variant is classified as a Variant of Uncertain Significance.